The following is an entry in ClinVar:

NM_002389.4(CD46):c.-366G>A

Gene: CD46 (CD46 molecule; plus strand). Cytogenetic location: 1q32.2.
Variant type: single nucleotide variant.
Coding change: c.-366G>A on transcript NM_002389.4; 366 bases upstream of the start codon, G replaced by A.
Genome position (GRCh38, 1-based): chr1:207,751,847, G>A. VCF-style: chr1-207751847-G-A. GRCh37 (hg19) VCF-style: chr1-207925192-G-A.
Identifiers: ClinVar variation 1247101 (VCV001247101.4), dbSNP rs2796268, ClinGen allele CA10750139.

ClinVar aggregate classification (germline): Benign. Review status: criteria provided, multiple submitters, no conflicts (2 of 4 stars). 2 submissions from 2 submitters: Benign (2). Last evaluated 2026-09-17.

Conditions:
Atypical hemolytic-uremic syndrome. Identifiers: Orphanet 2134, MedGen C2931788, MONDO:0016244.

Allele frequency attached by ClinVar (database versions not stated): gnomAD 0.57354 and 0.58185; 1000 Genomes Project 0.63638; TOPMed 0.57463; 1000 Genomes Project 30x 0.62929.

Submissions (2):

Genomenon, Inc
Classification: Benign for Atypical hemolytic-uremic syndrome. Last evaluated: 2026-09-17. Review status: criteria provided, single submitter. Criteria: Genomenon Sequence Variant Interpretation Standards - Updated. Collection method: curation. Allele origin: germline. Affected: no.
Comment: CD46 c.-366G>A is a variant located in the 5′ untranslated region (5′ UTR). This variant is present at high allele frequency in population databases. We classify CD46 c.-366G>A as a benign variant.

GeneDx
Classification: Benign. Last evaluated: 2018-11-10. Review status: criteria provided, single submitter. Criteria: GeneDx Variant Classification Process June 2021. Collection method: clinical testing. Allele origin: germline. Affected: yes.
Comment: This variant is associated with the following publications: (PMID: 15661753)